The following is an entry in ClinVar:

NM_000748.3(CHRNB2):c.1471T>G (p.Phe491Val)

Gene: CHRNB2 (cholinergic receptor nicotinic beta 2 subunit; plus strand). Cytogenetic location: 1q21.3.
Variant type: single nucleotide variant.
Coding change: c.1471T>G on transcript NM_000748.3 (MANE Select); coding-DNA position 1471, T replaced by G.
Protein change: p.Phe491Val; replaces phenylalanine 491 with valine.
Molecular consequence: missense variant.
Genome position (GRCh38, 1-based): chr1:154,575,894, T>G. VCF-style: chr1-154575894-T-G. GRCh37 (hg19) VCF-style: chr1-154548370-T-G.
Other names: short protein forms F491V.
Identifiers: ClinVar variation 4799942 (VCV004799942.1).

ClinVar aggregate classification (germline): Uncertain significance (1 of 4 stars; one submission).

Conditions:
Familial sleep-related hypermotor epilepsy. Also called: Autosomal Dominant Sleep-Related Hypermotor (Hyperkinetic) Epilepsy. Identifiers: Orphanet 98784, MedGen C3696898, MONDO:0000030.

Submission:

Labcorp Genetics (formerly Invitae), Labcorp
Classification: Uncertain significance. Last evaluated: 2026-01-11. Review status: criteria provided, single submitter. Criteria: Invitae Variant Classification Sherloc (09022015). Collection method: clinical testing. Allele origin: germline.
Comment: This sequence change replaces phenylalanine, which is neutral and non-polar, with valine, which is neutral and non-polar, at codon 491 of the CHRNB2 protein (p.Phe491Val). This variant is not present in population databases (gnomAD no frequency). This variant has not been reported in the literature in individuals affected with CHRNB2-related conditions. Invitae Evidence Modeling of protein sequence and biophysical properties (such as structural, functional, and spatial information, amino acid conservation, physicochemical variation, residue mobility, and thermodynamic stability) indicates that this missense variant is not expected to disrupt CHRNB2 protein function with a negative predictive value of 95%. In summary, the available evidence is currently insufficient to determine the role of this variant in disease. Therefore, it has been classified as a Variant of Uncertain Significance.